The following is an entry in ClinVar:

ClinVar aggregate classification (germline): Conflicting classifications of pathogenicity. Review status: criteria provided, conflicting classifications (1 of 4 stars). 2 submissions from 2 submitters: Pathogenic (1); Uncertain significance (1). Last evaluated 2021-07-13.

Conditions:
GNE myopathy (NM). Also called: IBM 2; Inclusion body myopathy autosomal recessive; Inclusion body myopathy quadriceps sparing; INCLUSION BODY MYOPATHY, HEREDITARY, AUTOSOMAL RECESSIVE; INCLUSION BODY MYOPATHY 2, AUTOSOMAL RECESSIVE; MYOPATHY, DISTAL, WITH OR WITHOUT RIMMED VACUOLES. Identifiers: Orphanet 602, MedGen C1853926, MONDO:0011603, OMIM 605820.
Sialuria. Also called: SIALURIA, FRENCH TYPE; Sialic Acid Storage Disease. Identifiers: Orphanet 3166, MedGen C0342853, MONDO:0010028, OMIM 269921.

Submissions (2):

Labcorp Genetics (formerly Invitae), Labcorp
Classification: Pathogenic for Sialuria; GNE myopathy. Last evaluated: 2021-07-13. Review status: criteria provided, single submitter. Criteria: Invitae Variant Classification Sherloc (09022015). Collection method: clinical testing. Allele origin: germline.
Comment: This sequence change creates a premature translational stop signal (p.Thr3Profs*79) in the GNE gene. It is expected to result in an absent or disrupted protein product. Loss-of-function variants in GNE are known to be pathogenic (PMID: 24027297). This variant is not present in population databases (ExAC no frequency). ClinVar contains an entry for this variant (Variation ID: 596088). For these reasons, this variant has been classified as Pathogenic. This variant has not been reported in the literature in individuals affected with GNE-related conditions.

Eurofins Ntd Llc (ga)
Classification: Uncertain significance. Last evaluated: 2018-03-07. Review status: criteria provided, single submitter. Criteria: EGL ClinVar v180209 classification definitions. Collection method: clinical testing. Allele origin: germline. Observed: 1 variant allele, 1 heterozygote.

Literature cited by the submitters: PubMed 24027297 (cited by Labcorp Genetics (formerly Invitae), Labcorp).

NM_001128227.3(GNE):c.7del (p.Thr3fs)

Gene: GNE (glucosamine (UDP-N-acetyl)-2-epimerase/N-acetylmannosamine kinase; minus strand). Cytogenetic location: 9p13.3.
Variant type: Deletion.
Coding change: c.7del on transcript NM_001128227.3 (MANE Plus Clinical); coding-DNA position 7, one base deleted (A; older notation c.7delA).
Protein change: p.Thr3fs; shifts the reading frame from threonine 3.
Molecular consequence: frameshift variant. On other transcripts: 5 prime UTR variant (1).
Genome position (GRCh38, 1-based): chr9:36,276,938, T deleted on the plus strand (A on the coding strand, the reverse complement: GNE is on the minus strand); the first of 3 consecutive T bases (chr9:36,276,938-36,276,940); deleting any one gives the same sequence. VCF-style (leftmost placement, unchanged base first): chr9-36276937-GT-G. GRCh37 (hg19) VCF-style: chr9-36276934-GT-G.
Other names: c.-58del (NM_001190388.2); short protein forms T3fs.
Identifiers: ClinVar variation 596088 (VCV000596088.13), dbSNP rs1563966097, ClinGen allele CA913189781.